The following is an entry in ClinVar:

ClinVar aggregate classification (germline): Pathogenic (1 of 4 stars; one submission).

Submission:

Labcorp Genetics (formerly Invitae), Labcorp
Classification: Pathogenic. Last evaluated: 2023-03-14. Review status: criteria provided, single submitter. Criteria: Invitae Variant Classification Sherloc (09022015). Collection method: clinical testing. Allele origin: germline.
Comment: For these reasons, this variant has been classified as Pathogenic. This variant has not been reported in the literature in individuals affected with PLS3-related conditions. This variant is a gross deletion of the genomic region encompassing exon(s) 2 of the PLS3 gene, which includes the initiator codon. This deletion extends beyond the assayed region for this gene and therefore may encompass additional genes. It is expected to result in an absent or disrupted protein product. Loss-of-function variants in PLS3 are known to be pathogenic (PMID: 24088043, 30405713, 33166085).

Literature cited by the submitters: PubMed 24088043; PubMed 30405713; PubMed 33166085.

NC_000023.10:g.(?_114844563)_(114844655_?)del

Gene: PLS3 (plastin 3; plus strand). Cytogenetic location: Xq23.
Variant type: Deletion.
Identifiers: ClinVar variation 2425281 (VCV002425281.4).